The following is an entry in ClinVar:

ClinVar aggregate classification (germline): Likely pathogenic (1 of 4 stars; one submission).

Conditions:
Deficiency of acetyl-CoA acetyltransferase. Also called: 3-KETOTHIOLASE DEFICIENCY; 3-OXOTHIOLASE DEFICIENCY; Beta-ketothiolase deficiency; MITOCHONDRIAL ACETOACETYL-CoA THIOLASE DEFICIENCY. Identifiers: Orphanet 134, MedGen C1536500, MONDO:0008760, OMIM 203750. Disease mechanism: loss of function.

Submission:

Natera, Inc.
Classification: Likely pathogenic for Alpha-methylacetoacetic aciduria. Last evaluated: 2024-10-24. Review status: criteria provided, single submitter. Criteria: Natera Variant Classification Schema (03/2026). Collection method: clinical testing. Allele origin: germline.
Comment: The c.820_821del variant in ACAT1 is a frameshift variant predicted to shift the reading frame beginning at codon 274 and leads to a stop codon 14 codons downstream. This variant is expected to result in nonsense mediated decay, truncation, or a dysfunctional protein product. This variant is rare in the general population with a frequency below the threshold expected for the associated phenotype(s). Given the available evidence, this variant is classified as Likely Pathogenic.

NM_000019.4(ACAT1):c.820_821del (p.Glu274fs)

Gene: ACAT1 (acetyl-CoA acetyltransferase 1; plus strand). Cytogenetic location: 11q22.3.
Variant type: Deletion.
Coding change: c.820_821del on transcript NM_000019.4 (MANE Select); coding-DNA positions 820 to 821, 2 bases deleted (GA; older notation c.820_821delGA).
Protein change: p.Glu274fs; shifts the reading frame from glutamic acid 274.
Molecular consequence: frameshift variant. On other transcripts: non-coding transcript variant (2).
Genome position (GRCh38, 1-based): chr11:108,141,694-108,141,695, GA deleted; deleting any 2 consecutive bases within chr11:108,141,693-108,141,695 gives the same sequence; the c. name uses the placement nearest the transcript's 3' end. VCF-style (leftmost placement, unchanged base first): chr11-108141692-AAG-A. GRCh37 (hg19) VCF-style: chr11-108012419-AAG-A.
Other names: c.820_821del, p.Glu274fs (NM_001386677.1); c.505_506del, p.Glu169fs (NM_001386678.1); c.523_524del, p.Glu175fs (NM_001386679.1); c.550_551del, p.Glu184fs (NM_001386681.1, NM_001386682.1, NM_001386685.1 and 6 more transcripts); short protein forms E169fs, E175fs, E184fs, E274fs.
Identifiers: ClinVar variation 4817593 (VCV004817593.1).